The following is an entry in ClinVar:

ClinVar aggregate classification (germline): Uncertain significance. Review status: criteria provided, multiple submitters, no conflicts (2 of 4 stars). 2 submissions from 2 submitters: Uncertain significance (2). Last evaluated 2023-12-05.

Conditions:
Hereditary cancer-predisposing syndrome. Also called: Hereditary Cancer Syndrome; Hereditary neoplastic syndrome; Neoplastic Syndromes, Hereditary; Tumor predisposition. Identifiers: Orphanet 140162, MedGen C0027672, MeSH D009386, MONDO:0015356.
Fanconi anemia complementation group O. Also called: RAD51C-Related Fanconi Anemia. Identifiers: Orphanet 84, MedGen C3150653, MONDO:0013248, OMIM 613390.

Submissions (2):

Color Diagnostics, LLC DBA Color Health
Classification: Uncertain significance for Hereditary cancer-predisposing syndrome. Last evaluated: 2023-12-05. Review status: criteria provided, single submitter. Criteria: ACMG Guidelines, 2015. Collection method: clinical testing. Allele origin: germline.
Comment: This missense variant replaces valine with isoleucine at codon 337 of the RAD51C protein. Computational prediction suggests that this variant may not impact protein structure and function (internally defined REVEL score threshold <= 0.5, PMID: 27666373). To our knowledge, functional studies have not been reported for this variant. This variant has not been reported in individuals affected with RAD51C-related disorders in the literature. This variant has not been identified in the general population by the Genome Aggregation Database (gnomAD). The available evidence is insufficient to determine the role of this variant in disease conclusively. Therefore, this variant is classified as a Variant of Uncertain Significance.

Labcorp Genetics (formerly Invitae), Labcorp
Classification: Uncertain significance for Fanconi anemia complementation group O. Last evaluated: 2021-08-19. Review status: criteria provided, single submitter. Criteria: Invitae Variant Classification Sherloc (09022015). Collection method: clinical testing. Allele origin: germline.
Comment: Algorithms developed to predict the effect of missense changes on protein structure and function output the following: SIFT: "Tolerated"; PolyPhen-2: "Benign"; Align-GVGD: "Class C0". The isoleucine amino acid residue is found in multiple mammalian species, which suggests that this missense change does not adversely affect protein function. ClinVar contains an entry for this variant (Variation ID: 923100). This variant has not been reported in the literature in individuals affected with RAD51C-related conditions. This variant is not present in population databases (ExAC no frequency). This sequence change replaces valine with isoleucine at codon 337 of the RAD51C protein (p.Val337Ile). The valine residue is moderately conserved and there is a small physicochemical difference between valine and isoleucine. In summary, the available evidence is currently insufficient to determine the role of this variant in disease. Therefore, it has been classified as a Variant of Uncertain Significance.

NM_058216.3(RAD51C):c.1009G>A (p.Val337Ile)

Gene: RAD51C (RAD51 paralog C; plus strand). Cytogenetic location: 17q22.
Variant type: single nucleotide variant.
Coding change: c.1009G>A on transcript NM_058216.3 (MANE Select); coding-DNA position 1009, G replaced by A.
Protein change: p.Val337Ile; replaces valine 337 with isoleucine.
Molecular consequence: missense variant. On other transcripts: non-coding transcript variant (1).
Genome position (GRCh38, 1-based): chr17:58,732,527, G>A. VCF-style: chr17-58732527-G-A. GRCh37 (hg19) VCF-style: chr17-56809888-G-A.
Other names: short protein forms V337I.
Identifiers: ClinVar variation 923100 (VCV000923100.10), dbSNP rs2049473367, ClinGen allele CA400365101.